The following is an entry in ClinVar:

ClinVar aggregate classification (germline): Pathogenic (1 of 4 stars; one submission).

Conditions:
Centromeric instability of chromosomes 1,9 and 16 and immunodeficiency (ICF1). Also called: Immunodeficiency-centromeric instability-facial anomalies; CENTROMERIC INSTABILITY, IMMUNODEFICIENCY SYNDROME; IMMUNE DEFICIENCY, VARIABLE, WITH CENTROMERIC INSTABILITY OF CHROMOSOMES 1, 9, AND 16; IMMUNODEFICIENCY SYNDROME, VARIABLE. Identifiers: Orphanet 2268, MedGen C0398788, MONDO:0000133.

Submission:

Labcorp Genetics (formerly Invitae), Labcorp
Classification: Pathogenic for Centromeric instability of chromosomes 1,9 and 16 and immunodeficiency. Last evaluated: 2020-07-30. Review status: criteria provided, single submitter. Criteria: Invitae Variant Classification Sherloc (09022015). Collection method: clinical testing. Allele origin: germline.
Comment: For these reasons, this variant has been classified as Pathogenic. Loss-of-function variants in DNMT3B are known to be pathogenic (PMID: 11102980). This variant has not been reported in the literature in individuals with DNMT3B-related conditions. This variant is not present in population databases (ExAC no frequency). This sequence change creates a premature translational stop signal (p.Met332Ilefs*39) in the DNMT3B gene. It is expected to result in an absent or disrupted protein product.

Literature cited by the submitters: PubMed 11102980.

NM_006892.4(DNMT3B):c.996del (p.Met332fs)

Gene: DNMT3B (DNA methyltransferase 3 beta; plus strand). Cytogenetic location: 20q11.21.
Variant type: Deletion.
Coding change: c.996del on transcript NM_006892.4 (MANE Select); coding-DNA position 996, one base deleted (G; older notation c.996delG).
Protein change: p.Met332fs; shifts the reading frame from methionine 332.
Molecular consequence: frameshift variant.
Genome position (GRCh38, 1-based): chr20:32,792,700, G deleted. VCF-style (leftmost placement, unchanged base first): chr20-32792699-TG-T. GRCh37 (hg19) VCF-style: chr20-31380505-TG-T.
Other names: c.870del, p.Met290fs (NM_001207055.2); c.768del, p.Met256fs (NM_001207056.2); c.996del, p.Met332fs (NM_175848.2, NM_175849.2); c.1032del, p.Met344fs (NM_175850.3); short protein forms M256fs, M290fs, M332fs, M344fs.
Identifiers: ClinVar variation 1070976 (VCV001070976.7), dbSNP rs2145982663, ClinGen allele CA2499225727.